The following is an entry in ClinVar:

NM_004360.5(CDH1):c.833-10A>G

Gene: CDH1 (cadherin 1; plus strand). Cytogenetic location: 16q22.1.
Variant type: single nucleotide variant.
Coding change: c.833-10A>G on transcript NM_004360.5 (MANE Select); 10 bases into the intron before coding-DNA position 833, A replaced by G.
Molecular consequence: intron variant.
Genome position (GRCh38, 1-based): chr16:68,811,674, A>G. VCF-style: chr16-68811674-A-G. GRCh37 (hg19) VCF-style: chr16-68845577-A-G.
Other names: c.-783-10A>G (NM_001317185.2); c.-987-10A>G (NM_001317186.2); c.833-10A>G (NM_001317184.2, NM_004360.3).
Identifiers: ClinVar variation 1171474 (VCV001171474.8), dbSNP rs1168685891, ClinGen allele CA623574778.

ClinVar aggregate classification (germline): Uncertain significance. Review status: criteria provided, multiple submitters, no conflicts (2 of 4 stars). 3 submissions from 3 submitters: Uncertain significance (3). Last evaluated 2024-11-08.

Conditions:
Hereditary diffuse gastric adenocarcinoma (HDGC). Also called: DIFFUSE GASTRIC AND LOBULAR BREAST CANCER SYNDROME. Identifiers: Orphanet 26106, MedGen C1708349, MONDO:0007648, OMIM 137215.
Hereditary cancer-predisposing syndrome. Also called: Hereditary neoplastic syndrome; Neoplastic Syndromes, Hereditary; Hereditary Cancer Syndrome; Tumor predisposition. Identifiers: Orphanet 140162, MedGen C0027672, MeSH D009386, MONDO:0015356.

Allele frequency attached by ClinVar (database versions not stated): gnomAD exomes below 0.00001.
gnomAD v4.1: 1 of 1,613,098 alleles (0.000062%); highest among the groups gnomAD compares: East Asian, 0.0022%; no homozygotes.

Submissions (3):

Molecular Pathology, Peter Maccallum Cancer Centre
Classification: Uncertain significance for Hereditary diffuse gastric adenocarcinoma. Last evaluated: 2024-11-08. Review status: criteria provided, single submitter. Criteria: ACMG Guidelines, 2015. Collection method: clinical testing. Allele origin: germline. Inheritance: Autosomal dominant inheritance.

Labcorp Genetics (formerly Invitae), Labcorp
Classification: Uncertain significance for Hereditary diffuse gastric adenocarcinoma. Last evaluated: 2024-11-05. Review status: criteria provided, single submitter. Criteria: Invitae Variant Classification Sherloc (09022015). Collection method: clinical testing. Allele origin: germline.
Comment: This sequence change falls in intron 6 of the CDH1 gene. It does not directly change the encoded amino acid sequence of the CDH1 protein. This variant is present in population databases (no rsID available, gnomAD 0.006%). This variant has not been reported in the literature in individuals affected with CDH1-related conditions. ClinVar contains an entry for this variant (Variation ID: 1171474). Studies have shown that this variant is associated with inconclusive levels of altered splicing (internal data). In summary, the available evidence is currently insufficient to determine the role of this variant in disease. Therefore, it has been classified as a Variant of Uncertain Significance.

Color Diagnostics, LLC DBA Color Health
Classification: Uncertain significance for Hereditary cancer-predisposing syndrome. Last evaluated: 2020-08-03. Review status: criteria provided, single submitter. Criteria: ACMG Guidelines, 2015. Collection method: clinical testing. Allele origin: germline.
Comment: This variant causes an A to G nucleotide substitution at the -10 position of intron 6 of the CDH1 gene. To our knowledge, functional studies have not been reported for this variant. This variant has not been reported in individuals affected with hereditary cancer in the literature. This variant has been identified in 1/251328 chromosomes in the general population by the Genome Aggregation Database (gnomAD). The available evidence is insufficient to determine the role of this variant in disease conclusively. Therefore, this variant is classified as a Variant of Uncertain Significance.